The following is an entry in ClinVar:

ClinVar aggregate classification (germline): Uncertain significance. Review status: criteria provided, multiple submitters, no conflicts (2 of 4 stars). 2 submissions from 2 submitters: Uncertain significance (2). Last evaluated 2023-06-06.

Conditions:
Inborn genetic diseases. Identifiers: MedGen C0950123, MeSH D030342.
Congenital myasthenic syndrome 8. Also called: MYASTHENIC SYNDROME, CONGENITAL, DUE TO AGRIN DEFICIENCY; Myasthenic syndrome, congenital, 8, with pre- and postsynaptic defects. Identifiers: Orphanet 590, MedGen C3808739, MONDO:0014052, OMIM 615120.

Allele frequency attached by ClinVar (database versions not stated): gnomAD 0.00001; gnomAD exomes 0.00001 and 0.00003; ExAC 0.00002; TOPMed 0.00002.
gnomAD v4.1: 13 of 1,591,300 alleles (0.00082%); highest among the groups gnomAD compares: East Asian, 0.025%; no homozygotes.

Submissions (2):

Ambry Genetics
Classification: Uncertain significance for Inborn genetic diseases. Last evaluated: 2023-06-06. Review status: criteria provided, single submitter. Criteria: Ambry Variant Classification Scheme 2023. Collection method: clinical testing. Allele origin: germline.

Labcorp Genetics (formerly Invitae), Labcorp
Classification: Uncertain significance for Congenital myasthenic syndrome 8. Last evaluated: 2019-12-29. Review status: criteria provided, single submitter. Criteria: Invitae Variant Classification Sherloc (09022015). Collection method: clinical testing. Allele origin: germline.
Comment: In summary, the available evidence is currently insufficient to determine the role of this variant in disease. Therefore, it has been classified as a Variant of Uncertain Significance. Algorithms developed to predict the effect of missense changes on protein structure and function are either unavailable or do not agree on the potential impact of this missense change (SIFT: "Deleterious"; PolyPhen-2: "Benign"; Align-GVGD: "Class C0"). This variant has not been reported in the literature in individuals with AGRN-related conditions. This variant is present in population databases (rs751833707, ExAC 0.03%). This sequence change replaces serine with asparagine at codon 1062 of the AGRN protein (p.Ser1062Asn). The serine residue is highly conserved and there is a small physicochemical difference between serine and asparagine.

NM_198576.4(AGRN):c.3185G>A (p.Ser1062Asn)

Gene: AGRN (agrin; plus strand). Cytogenetic location: 1p36.33.
Variant type: single nucleotide variant.
Coding change: c.3185G>A on transcript NM_198576.4 (MANE Select); coding-DNA position 3185, G replaced by A.
Protein change: p.Ser1062Asn; replaces serine 1062 with asparagine.
Molecular consequence: missense variant.
Genome position (GRCh38, 1-based): chr1:1,046,670, G>A. VCF-style: chr1-1046670-G-A. GRCh37 (hg19) VCF-style: chr1-982050-G-A.
Other names: c.3185G>A, p.Ser1062Asn (NM_001305275.2); c.2870G>A, p.Ser957Asn (NM_001364727.2); short protein forms S1062N, S957N.
Identifiers: ClinVar variation 864637 (VCV000864637.11), dbSNP rs751833707, ClinGen allele CA508974.